The following is an entry in ClinVar:

NM_001365999.1(SZT2):c.5417A>T (p.Asp1806Val)

Gene: SZT2 (SZT2 subunit of KICSTOR complex; plus strand). Cytogenetic location: 1p34.2.
Variant type: single nucleotide variant.
Coding change: c.5417A>T on transcript NM_001365999.1 (MANE Select); coding-DNA position 5417, A replaced by T.
Protein change: p.Asp1806Val; replaces aspartic acid 1806 with valine.
Molecular consequence: missense variant.
Genome position (GRCh38, 1-based): chr1:43,432,414, A>T. VCF-style: chr1-43432414-A-T. GRCh37 (hg19) VCF-style: chr1-43898085-A-T.
Other names: c.5246A>T, p.Asp1749Val (NM_015284.4); short protein forms D1749V, D1806V.
Identifiers: ClinVar variation 836179 (VCV000836179.10), dbSNP rs1336536225, ClinGen allele CA340025153.

ClinVar aggregate classification (germline): Uncertain significance (1 of 4 stars; one submission).

Allele frequency attached by ClinVar (database versions not stated): gnomAD 0.00001.

Submission:

Labcorp Genetics (formerly Invitae), Labcorp
Classification: Uncertain significance. Last evaluated: 2019-12-30. Review status: criteria provided, single submitter. Criteria: Invitae Variant Classification Sherloc (09022015). Collection method: clinical testing. Allele origin: germline.
Comment: In summary, the available evidence is currently insufficient to determine the role of this variant in disease. Therefore, it has been classified as a Variant of Uncertain Significance. Algorithms developed to predict the effect of sequence changes on RNA splicing suggest that this variant may create or strengthen a splice site, but this prediction has not been confirmed by published transcriptional studies. This variant has not been reported in the literature in individuals with SZT2-related conditions. Algorithms developed to predict the effect of missense changes on protein structure and function are either unavailable or do not agree on the potential impact of this missense change (SIFT: "Deleterious"; PolyPhen-2: "Benign"; Align-GVGD: "Class C15"). This variant is not present in population databases (ExAC no frequency). This sequence change replaces aspartic acid with valine at codon 1749 of the SZT2 protein (p.Asp1749Val). The aspartic acid residue is highly conserved and there is a large physicochemical difference between aspartic acid and valine.